The following is an entry in ClinVar:

ClinVar aggregate classification (germline): Benign/Likely benign. Review status: criteria provided, multiple submitters, no conflicts (2 of 4 stars). 2 submissions from 2 submitters: Benign (1); Likely benign (1). Last evaluated 2026-06-30.

Conditions:
Sessile serrated polyposis cancer syndrome (SSPCS). Identifiers: Orphanet 157798, MedGen C4310714, MONDO:0014919, OMIM 617108.

Submissions (2):

Myriad Genetics, Inc.
Classification: Benign for Sessile serrated polyposis cancer syndrome. Last evaluated: 2026-06-30. Review status: criteria provided, single submitter. Criteria: Myriad Autosomal Dominant, Autosomal Recessive and X-Linked Classification Criteria (2023). Collection method: clinical testing. Allele origin: unknown.
Comment: This variant is considered benign. This variant is a silent/synonymous amino acid change and it is not expected to impact splicing.

Ambry Genetics
Classification: Likely benign. Last evaluated: 2025-10-14. Review status: criteria provided, single submitter. Criteria: Ambry Variant Classification Scheme 2023. Collection method: clinical testing. Allele origin: germline.

NM_017763.6(RNF43):c.636C>T (p.Ile212=)

Gene: RNF43 (ring finger protein 43; minus strand). Cytogenetic location: 17q22.
Variant type: single nucleotide variant.
Coding change: c.636C>T on transcript NM_017763.6 (MANE Select); coding-DNA position 636, C replaced by T.
Protein change: p.Ile212=; no amino-acid change (isoleucine 212 retained).
Molecular consequence: synonymous variant.
Genome position (GRCh38, 1-based): chr17:58,362,595, G>A on the plus strand (C>T on the coding strand, the complement: RNF43 is on the minus strand). VCF-style: chr17-58362595-G-A. GRCh37 (hg19) VCF-style: chr17-56439956-G-A.
Other names: c.636C>T, p.Ile212= (NM_001305544.3, NM_001438820.1, NM_001438821.1 and 1 more transcripts); c.255C>T, p.Ile85= (NM_001305545.2, NM_001437987.1).
Identifiers: ClinVar variation 4578962 (VCV004578962.2).